The following is an entry in ClinVar:

ClinVar aggregate classification (germline): Likely pathogenic (1 of 4 stars; one submission).

Conditions:
Nemaline myopathy 8 (NEM8). Also called: Nemaline myopathy 8, autosomal recessive. Identifiers: Orphanet 171430, MedGen C3809209, MONDO:0014138, OMIM 615348.

Submission:

Neuberg Centre For Genomic Medicine, NCGM
Classification: Likely pathogenic for Nemaline myopathy 8. Review status: criteria provided, single submitter. Criteria: ACMG Guidelines, 2015. Collection method: clinical testing. Allele origin: germline. Inheritance: Autosomal recessive inheritance. Affected: yes.
Comment: The stop gained c.1305C>G(p.Tyr435Ter) variant in KLHL40 gene has not been reported previously as a pathogenic variant nor as a benign variant, to our knowledge. The c.1305C>G variant is absent in gnomAD Exomes. This variant has not been reported to the ClinVar database. Computational evidence (MutationTaster - Disease causing) predicts damaging effect on protein structure and function for this variant. The reference nucleotide change at this position on KLHL40 gene is predicted as conserved by GERP++ and PhyloP across 100 vertebrates. This sequence change creates a premature translational stop signal (p.Tyr435Ter) in the KLHL40 gene. This variant is predicted to cause loss of normal protein function through protein truncation. Loss of function variants have been previously reported to be disease causing. For these reasons, this variant has been classified as Likely Pathogenic.

NM_152393.4(KLHL40):c.1305C>G (p.Tyr435Ter)

Gene: KLHL40 (kelch like family member 40; plus strand). Cytogenetic location: 3p22.1.
Variant type: single nucleotide variant.
Coding change: c.1305C>G on transcript NM_152393.4 (MANE Select); coding-DNA position 1305, C replaced by G.
Protein change: p.Tyr435Ter; replaces tyrosine 435 with a stop codon.
Molecular consequence: nonsense.
Genome position (GRCh38, 1-based): chr3:42,688,294, C>G. VCF-style: chr3-42688294-C-G. GRCh37 (hg19) VCF-style: chr3-42729786-C-G.
Other names: short protein forms Y435*.
Identifiers: ClinVar variation 3731289 (VCV003731289.1).